The following is an entry in ClinVar:

NM_032242.4(PLXNA1):c.5432G>A (p.Ser1811Asn)

Gene: PLXNA1 (plexin A1; plus strand). Cytogenetic location: 3q21.3.
Variant type: single nucleotide variant.
Coding change: c.5432G>A on transcript NM_032242.4 (MANE Select); coding-DNA position 5432, G replaced by A.
Protein change: p.Ser1811Asn; replaces serine 1811 with asparagine.
Molecular consequence: missense variant.
Genome position (GRCh38, 1-based): chr3:127,032,587, G>A. VCF-style: chr3-127032587-G-A. GRCh37 (hg19) VCF-style: chr3-126751430-G-A.
Other names: short protein forms S1811N.
Identifiers: ClinVar variation 2382349 (VCV002382349.3), dbSNP rs1430110009, ClinGen allele CA354404177.

ClinVar aggregate classification (germline): Uncertain significance. Review status: criteria provided, single submitter (1 of 4 stars). 2 submissions from 2 submitters: Uncertain significance (1). 1 of the submissions does not count toward it. Last evaluated 2022-08-30.

Conditions:
PLXNA1-related disorder. Also called: PLXNA1-related condition.

Allele frequency attached by ClinVar (database versions not stated): gnomAD 0.00001; gnomAD exomes 0.00001; TOPMed 0.00003.
gnomAD v4.1: 6 of 1,613,670 alleles (0.00037%); highest among the groups gnomAD compares: Admixed American, 0.01%; no homozygotes.

Submissions (2):

Ambry Genetics
Classification: Uncertain significance. Last evaluated: 2022-08-30. Review status: criteria provided, single submitter. Criteria: Ambry Variant Classification Scheme 2023. Collection method: clinical testing. Allele origin: germline.

PreventionGenetics, part of Exact Sciences
Classification: Uncertain significance for PLXNA1-related condition. Last evaluated: 2024-04-30. Review status: no assertion criteria provided. Collection method: clinical testing. Allele origin: germline. Not counted in ClinVar's aggregate classification.
Comment: The PLXNA1 c.5432G>A variant is predicted to result in the amino acid substitution p.Ser1811Asn. To our knowledge, this variant has not been reported in the literature. This variant is reported in 0.0087% of alleles in individuals of Latino descent in gnomAD. At this time, the clinical significance of this variant is uncertain due to the absence of conclusive functional and genetic evidence.